The following is an entry in ClinVar:

NM_002691.4(POLD1):c.1775+16G>A

Gene: POLD1 (DNA polymerase delta 1, catalytic subunit; plus strand). Cytogenetic location: 19q13.33.
Variant type: single nucleotide variant.
Coding change: c.1775+16G>A on transcript NM_002691.4 (MANE Select); 16 bases into the intron after coding-DNA position 1775, G replaced by A.
Molecular consequence: intron variant.
Genome position (GRCh38, 1-based): chr19:50,407,431, G>A. VCF-style: chr19-50407431-G-A. GRCh37 (hg19) VCF-style: chr19-50910688-G-A.
Other names: c.1775+16G>A (LRG_785t2, LRG_785t1, NM_001256849.1 and 1 more transcripts).
Identifiers: ClinVar variation 382698 (VCV000382698.16), dbSNP rs201259846, ClinGen allele CA9596252.

ClinVar aggregate classification (germline): Likely benign. Review status: criteria provided, multiple submitters, no conflicts (2 of 4 stars). 5 submissions from 5 submitters: Likely benign (5). Last evaluated 2026-01-28.

Conditions:
POLD1-related polyposis and colorectal cancer syndrome (CRCS10). Also called: Colorectal cancer, susceptibility to, 10; Colorectal cancer 10; COLORECTAL CANCER, SUSCEPTIBILITY TO, ON CHROMOSOME 19q. Identifiers: Orphanet 220460, MedGen C2675481, MONDO:0012953, OMIM 612591.

Allele frequency attached by ClinVar (database versions not stated): gnomAD 0.00003 and 0.00004; gnomAD exomes 0.00003 and 0.00009; ExAC 0.00008; TOPMed 0.00008; 1000 Genomes Project 30x 0.00016.
gnomAD v4.1: 53 of 1,560,774 alleles (0.0034%); highest among the groups gnomAD compares: Middle Eastern, 0.084%; no homozygotes.

Submissions (5):

Labcorp Genetics (formerly Invitae), Labcorp
Classification: Likely benign for POLD1-related polyposis and colorectal cancer syndrome. Last evaluated: 2026-01-28. Review status: criteria provided, single submitter. Criteria: Invitae Variant Classification Sherloc (09022015). Collection method: clinical testing. Allele origin: germline.

Center for Genomic Medicine, Rigshospitalet, Copenhagen University Hospital
Classification: Likely benign. Last evaluated: 2025-03-04. Review status: criteria provided, single submitter. Criteria: ACMG Guidelines, 2015. Collection method: clinical testing. Allele origin: germline.

Blueprint Genetics
Classification: Likely benign. Last evaluated: 2024-11-01. Review status: criteria provided, single submitter. Criteria: ACMG Guidelines, 2015. Collection method: clinical testing. Allele origin: germline.

KCCC/NGS Laboratory, Kuwait Cancer Control Center
Classification: Likely benign for POLD1-related polyposis and colorectal cancer syndrome. Last evaluated: 2023-07-07. Review status: criteria provided, single submitter. Criteria: ACMG Guidelines, 2015. Collection method: clinical testing. Allele origin: germline. Affected: yes.

GeneDx
Classification: Likely benign. Last evaluated: 2017-10-11. Review status: criteria provided, single submitter. Criteria: GeneDx Variant Classification (06012015). Collection method: clinical testing. Allele origin: germline. Affected: yes.
Comment: This variant is considered likely benign or benign based on one or more of the following criteria: it is a conservative change, it occurs at a poorly conserved position in the protein, it is predicted to be benign by multiple in silico algorithms, and/or has population frequency not consistent with disease.